The following is an entry in ClinVar:

ClinVar aggregate classification (germline): Likely benign (0 of 4 stars; one submission).

Conditions:
PKD1-related disorder. Also called: PKD1-related condition.

Allele frequency attached by ClinVar (database versions not stated): gnomAD exomes 0.00001.
gnomAD v4.1: 10 of 1,532,322 alleles (0.00065%); highest among the groups gnomAD compares: Non-Finnish European, 0.0008%; no homozygotes.

Submission:

PreventionGenetics, part of Exact Sciences
Classification: Likely benign for PKD1-related condition. Last evaluated: 2023-01-07. Review status: no assertion criteria provided. Collection method: clinical testing. Allele origin: germline.
Comment: This variant is classified as likely benign based on ACMG/AMP sequence variant interpretation guidelines (Richards et al. 2015 PMID: 25741868, with internal and published modifications).

NM_001009944.3(PKD1):c.1764C>T (p.Phe588=)

Gene: PKD1 (polycystin 1, transient receptor potential channel interacting; minus strand). Cytogenetic location: 16p13.3.
Variant type: single nucleotide variant.
Coding change: c.1764C>T on transcript NM_001009944.3 (MANE Select); coding-DNA position 1764, C replaced by T.
Protein change: p.Phe588=; no amino-acid change (phenylalanine 588 retained).
Molecular consequence: synonymous variant.
Genome position (GRCh38, 1-based): chr16:2,116,077, G>A on the plus strand (C>T on the coding strand, the complement: PKD1 is on the minus strand). VCF-style: chr16-2116077-G-A. GRCh37 (hg19) VCF-style: chr16-2166078-G-A.
Other names: c.1764C>T, p.Phe588= (NM_000296.4).
Identifiers: ClinVar variation 3048793 (VCV003048793.2), dbSNP rs2544866297, ClinGen allele CA492975407.
Genomic context (GRCh38, chr16:2,116,077, plus strand): 5'-CTGCAGCCGCAGCTGGGCGGGCCGCCGGAGCTCCTGGGTCCCAAATTCGGCCGTGGTGAG[G>A]AAGGCTTCACGGCTCAGACGCAGGCCCGGGAATACCATGACCTGGTGGGCAGGGGGCCGC-3'
Protein context (NP_001009944.3, residues 578-598): FPGLRLSREA[Phe588=]LTTAEFGTQE